The following is an entry in ClinVar:

NM_000535.7(PMS2):c.739C>A (p.Pro247Thr)

Gene: PMS2 (PMS1 homolog 2, mismatch repair system component; minus strand). Cytogenetic location: 7p22.1.
Variant type: single nucleotide variant.
Coding change: c.739C>A on transcript NM_000535.7 (MANE Select); coding-DNA position 739, C replaced by A.
Protein change: p.Pro247Thr; replaces proline 247 with threonine.
Molecular consequence: missense variant. On other transcripts: 5 prime UTR variant (2), non-coding transcript variant (1).
Genome position (GRCh38, 1-based): chr7:5,997,390, G>T on the plus strand (C>A on the coding strand, the complement: PMS2 is on the minus strand). VCF-style: chr7-5997390-G-T. GRCh37 (hg19) VCF-style: chr7-6037021-G-T.
Other names: c.334C>A, p.Pro112Thr (NM_001322003.2, NM_001322004.2, NM_001322005.2 and 2 more transcripts); c.739C>A, p.Pro247Thr (NM_001322006.2, NM_001322014.2); c.421C>A, p.Pro141Thr (NM_001322007.2, NM_001322008.2); c.-195C>A (NM_001322011.2, NM_001322012.2); c.166C>A, p.Pro56Thr (NM_001322013.2); c.430C>A, p.Pro144Thr (NM_001322015.2); c.739C>A (NM_000535.5); short protein forms P247T, P112T, P56T, P141T, P144T.
Identifiers: ClinVar variation 1035006 (VCV001035006.12), dbSNP rs878854058, ClinGen allele CA366743735.

ClinVar aggregate classification (germline): Uncertain significance. Review status: criteria provided, multiple submitters, no conflicts (2 of 4 stars). 4 submissions from 4 submitters: Uncertain significance (4). Last evaluated 2025-05-11.

Conditions:
Hereditary nonpolyposis colorectal neoplasms. Identifiers: MedGen C0009405, MeSH D003123.
Hereditary cancer-predisposing syndrome. Also called: Hereditary neoplastic syndrome; Neoplastic Syndromes, Hereditary; Tumor predisposition; Hereditary Cancer Syndrome. Identifiers: Orphanet 140162, MedGen C0027672, MeSH D009386, MONDO:0015356.
Lynch syndrome 4 (LYNCH4). Also called: Colorectal cancer, hereditary nonpolyposis, type 4; Hereditary non-polyposis colorectal cancer, type 4. Identifiers: Orphanet 144, MedGen C1838333, MONDO:0013699, OMIM 614337. Disease mechanism: loss of function.

Submissions (4):

Labcorp Genetics (formerly Invitae), Labcorp
Classification: Uncertain significance for Hereditary nonpolyposis colorectal neoplasms. Last evaluated: 2025-05-11. Review status: criteria provided, single submitter. Criteria: Invitae Variant Classification Sherloc (09022015). Collection method: clinical testing. Allele origin: germline.
Comment: This sequence change replaces proline, which is neutral and non-polar, with threonine, which is neutral and polar, at codon 247 of the PMS2 protein (p.Pro247Thr). This variant is not present in population databases (gnomAD no frequency). This variant has not been reported in the literature in individuals affected with PMS2-related conditions. ClinVar contains an entry for this variant (Variation ID: 1035006). Invitae Evidence Modeling incorporating data from in vitro experimental studies (internal data) indicates that this missense variant is not expected to disrupt PMS2 function with a negative predictive value of 95%. In summary, the available evidence is currently insufficient to determine the role of this variant in disease. Therefore, it has been classified as a Variant of Uncertain Significance.

Ambry Genetics
Classification: Uncertain significance for Hereditary cancer-predisposing syndrome. Last evaluated: 2024-09-01. Review status: criteria provided, single submitter. Criteria: Ambry Variant Classification Scheme 2023. Collection method: clinical testing. Allele origin: germline.
Comment: The p.P247T variant (also known as c.739C>A), located in coding exon 7 of the PMS2 gene, results from a C to A substitution at nucleotide position 739. The proline at codon 247 is replaced by threonine, an amino acid with highly similar properties. This amino acid position is conserved. In addition, this alteration is predicted to be deleterious by in silico analysis. Based on the available evidence, the clinical significance of this variant remains unclear.

Color Diagnostics, LLC DBA Color Health
Classification: Uncertain significance for Hereditary cancer-predisposing syndrome. Last evaluated: 2024-03-07. Review status: criteria provided, single submitter. Criteria: ACMG Guidelines, 2015. Collection method: clinical testing. Allele origin: germline.
Comment: This missense variant replaces proline with threonine at codon 247 of the PMS2 protein. Computational prediction is inconclusive regarding the impact of this variant on protein structure and function (internally defined REVEL score threshold 0.5 < inconclusive < 0.7, PMID: 27666373). To our knowledge, functional studies have not been reported for this variant. This variant has not been reported in individuals affected with hereditary cancer in the literature. This variant has not been identified in the general population by the Genome Aggregation Database (gnomAD). The available evidence is insufficient to determine the role of this variant in disease conclusively. Therefore, this variant is classified as a Variant of Uncertain Significance.

Baylor Genetics
Classification: Uncertain significance for Lynch syndrome 4. Last evaluated: 2024-02-20. Review status: criteria provided, single submitter. Criteria: ACMG Guidelines, 2015. Collection method: clinical testing. Allele origin: unknown.